The following is an entry in ClinVar:

ClinVar aggregate classification (germline): Conflicting classifications of pathogenicity. Review status: criteria provided, conflicting classifications (1 of 4 stars). 2 submissions from 2 submitters: Likely pathogenic (1); Uncertain significance (1). Last evaluated 2025-11-10.

Conditions:
Birt-Hogg-Dube syndrome. Also called: Birt Hogg Dubé syndrome. Identifiers: Orphanet 122, MedGen C0346010, MONDO:0800444.
FLCN-related disorders.

Submissions (2):

Labcorp Genetics (formerly Invitae), Labcorp
Classification: Uncertain significance for Birt-Hogg-Dube syndrome. Last evaluated: 2025-11-10. Review status: criteria provided, single submitter. Criteria: Invitae Variant Classification Sherloc (09022015). Collection method: clinical testing. Allele origin: germline.
Comment: This sequence change replaces cysteine, which is neutral and slightly polar, with arginine, which is basic and polar, at codon 11 of the FLCN protein (p.Cys11Arg). This variant is not present in population databases (gnomAD no frequency). This missense change has been observed in individual(s) with Birt-Hogg-Dubé syndrome (PMID: 30360018). ClinVar contains an entry for this variant (Variation ID: 2910413). Invitae Evidence Modeling of protein sequence and biophysical properties (such as structural, functional, and spatial information, amino acid conservation, physicochemical variation, residue mobility, and thermodynamic stability) indicates that this missense variant is expected to disrupt FLCN protein function with a positive predictive value of 80%. This variant disrupts the p.Cys11 amino acid residue in FLCN. Other variant(s) that disrupt this residue have been determined to be pathogenic (internal data). This suggests that this residue is clinically significant, and that variants that disrupt this residue are likely to be disease-causing. In summary, the available evidence is currently insufficient to determine the role of this variant in disease. Therefore, it has been classified as a Variant of Uncertain Significance.

Blueprint Genetics
Classification: Likely pathogenic for FLCN-related disorders. Last evaluated: 2024-10-15. Review status: criteria provided, single submitter. Criteria: ACMG Guidelines, 2015. Collection method: clinical testing. Allele origin: germline. Affected: yes. Observed: 1 variant allele.

Literature cited by the submitters: PubMed 30360018 (cited by Labcorp Genetics (formerly Invitae), Labcorp).

NM_144997.7(FLCN):c.31T>C (p.Cys11Arg)

Gene: FLCN (folliculin; minus strand). Cytogenetic location: 17p11.2.
Variant type: single nucleotide variant.
Coding change: c.31T>C on transcript NM_144997.7 (MANE Select); coding-DNA position 31, T replaced by C.
Protein change: p.Cys11Arg; replaces cysteine 11 with arginine.
Molecular consequence: missense variant.
Genome position (GRCh38, 1-based): chr17:17,228,107, A>G on the plus strand (T>C on the coding strand, the complement: FLCN is on the minus strand). VCF-style: chr17-17228107-A-G. GRCh37 (hg19) VCF-style: chr17-17131421-A-G.
Other names: c.31T>C, p.Cys11Arg (NM_001353229.2, NM_001353230.2, NM_001353231.2 and 1 more transcripts); short protein forms C11R.
Identifiers: ClinVar variation 2910413 (VCV002910413.4), dbSNP rs879255659, ClinGen allele CA398535470.